The following is an entry in ClinVar:

NM_004168.4(SDHA):c.778G>C (p.Gly260Arg)

Gene: SDHA (succinate dehydrogenase complex flavoprotein subunit A; plus strand). Cytogenetic location: 5p15.33.
Variant type: single nucleotide variant.
Coding change: c.778G>C on transcript NM_004168.4 (MANE Select); coding-DNA position 778, G replaced by C.
Protein change: p.Gly260Arg; replaces glycine 260 with arginine.
Molecular consequence: missense variant.
Genome position (GRCh38, 1-based): chr5:230,883, G>C. VCF-style: chr5-230883-G-C. GRCh37 (hg19) VCF-style: chr5-230998-G-C.
Other names: c.778G>C (NM_004168.2); c.634G>C, p.Gly212Arg (NM_001294332.2); c.778G>C, p.Gly260Arg (NM_001330758.2); short protein forms G212R, G260R.
Identifiers: ClinVar variation 1066704 (VCV001066704.15), dbSNP rs940845256, ClinGen allele CA359011535.

ClinVar aggregate classification (germline): Pathogenic/Likely pathogenic. Review status: criteria provided, multiple submitters, no conflicts (2 of 4 stars). 4 submissions from 4 submitters: Pathogenic (2); Likely pathogenic (2). Last evaluated 2025-08-09.

Conditions:
Neurodegeneration with ataxia and late-onset optic atrophy. Identifiers: MedGen C5543254, MONDO:0031006, OMIM 619259.
SDHA-related disorder. Also called: SDHA-related disorders; SDHA-related condition.
Mitochondrial complex II deficiency, nuclear type 1. Also called: SUCCINATE CoQ REDUCTASE DEFICIENCY. Identifiers: Orphanet 3208, MedGen C5700310, MONDO:0100294, OMIM 252011.
Pheochromocytoma/paraganglioma syndrome 5. Also called: SDHA-Related Hereditary Paraganglioma-Pheochromocytoma Syndrome; Paragangliomas 5. Identifiers: Orphanet 29072, MedGen C3279992, MONDO:0013602, OMIM 614165.
Hereditary cancer-predisposing syndrome. Also called: Hereditary Cancer Syndrome; Neoplastic Syndromes, Hereditary; Tumor predisposition; Hereditary neoplastic syndrome. Identifiers: Orphanet 140162, MedGen C0027672, MeSH D009386, MONDO:0015356.

Submissions (4):

Labcorp Genetics (formerly Invitae), Labcorp
Classification: Pathogenic for Pheochromocytoma/paraganglioma syndrome 5; Mitochondrial complex II deficiency, nuclear type 1. Last evaluated: 2025-08-09. Review status: criteria provided, single submitter. Criteria: Invitae Variant Classification Sherloc (09022015). Collection method: clinical testing. Allele origin: germline.
Comment: This sequence change replaces glycine, which is neutral and non-polar, with arginine, which is basic and polar, at codon 260 of the SDHA protein (p.Gly260Arg). This variant is not present in population databases (gnomAD no frequency). This missense change has been observed in individuals with paraganglioma or pheochromocytoma (PMID: 25394176, 28384794, 33397043; external communication, internal data). ClinVar contains an entry for this variant (Variation ID: 1066704). Invitae Evidence Modeling of protein sequence and biophysical properties (such as structural, functional, and spatial information, amino acid conservation, physicochemical variation, residue mobility, and thermodynamic stability) has been performed for this missense variant. However, the output from this modeling did not meet the statistical confidence thresholds required to predict the impact of this variant on SDHA protein function. Experimental studies have shown that this missense change affects SDHA function (PMID: 28724664). For these reasons, this variant has been classified as Pathogenic.

Blueprint Genetics
Classification: Likely pathogenic for SDHA-related disorders. Last evaluated: 2023-01-17. Review status: criteria provided, single submitter. Criteria: ACMG Guidelines, 2015. Collection method: clinical testing. Allele origin: germline. Affected: yes. Observed: 1 variant allele.

Ambry Genetics
Classification: Pathogenic for Hereditary cancer-predisposing syndrome. Last evaluated: 2023-01-09. Review status: criteria provided, single submitter. Criteria: Ambry Variant Classification Scheme 2023. Collection method: clinical testing. Allele origin: germline.
Comment: The p.G260R pathogenic mutation (also known as c.778G>C), located in coding exon 7 of the SDHA gene, results from a G to C substitution at nucleotide position 778. The glycine at codon 260 is replaced by arginine, an amino acid with dissimilar properties. Another alteration at the same codon, p.G260R (c.778G>A), has been detected in individuals with pheochromocytoma, paraganglioma, or SDH-deficient renal cell carcinoma (Evenepoel L et al. Genet. Med., 2015 Aug;17:610-20; Bausch B et al. JAMA Oncol, 2017 Sep;3:1204-1212; Ambry internal data). Furthermore, a functional study demonstrated that yeast equivalent of this variant (G251R) impairs function of succinate dehydrogenase complex (Bannon AE et al. Clin. Cancer Res., 2017 Nov;23:6733-6743). Based on internal structural analysis, p.G260R is anticipated to result in a significant decrease in structural stability (Inaoka DK et al. Int J Mol Sci, 2015 Jul;16:15287-308). This amino acid position is highly conserved in available vertebrate species. In addition, this alteration is predicted to be deleterious by in silico analysis. Based on the supporting evidence, this alteration is interpreted as a disease-causing mutation.

Dasa
Classification: Likely pathogenic for Neurodegeneration with ataxia and late-onset optic atrophy. Last evaluated: 2022-02-14. Review status: criteria provided, single submitter. Criteria: ACMG Guidelines, 2015. Collection method: clinical testing. Allele origin: germline. Affected: yes. Observed: 1 variant allele.
Comment: Same amino acid variant as a previously established pathogenic variant regardless of nucleotide variant (ClinVar ID: 412357 - c.778G>A;p.(Gly260Arg); PMID: 25394176, 28384794) - PS1. The c.778G>C;p.(Gly260Arg) missense variant has been observed in affected individual(s) and ClinVar contains an entry for this variant (ClinVar ID: 1066704) - PS4_supporting. This variant is not present in population databases (gnomAD; ABraOM no frequency) - PM2. Multiple lines of computational evidence support a deleterious effect on the gene or gene product - PP3. In summary, the currently available evidence indicates that the variant is likely pathogenic.

Literature cited by the submitters: PubMed 25394176 (cited by 3 submitters); PubMed 28384794 (cited by 3 submitters); PubMed 33397043 (cited by Labcorp Genetics (formerly Invitae), Labcorp); PubMed 28724664 (cited by Labcorp Genetics (formerly Invitae), Labcorp and Ambry Genetics); PubMed 26198225 (cited by Ambry Genetics).